The following is an entry in ClinVar:

NM_032802.4(SPPL2A):c.235C>G (p.Pro79Ala)

Gene: SPPL2A (signal peptide peptidase like 2A; minus strand). Cytogenetic location: 15q21.2.
Variant type: single nucleotide variant.
Coding change: c.235C>G on transcript NM_032802.4 (MANE Select); coding-DNA position 235, C replaced by G.
Protein change: p.Pro79Ala; replaces proline 79 with alanine.
Molecular consequence: missense variant.
Genome position (GRCh38, 1-based): chr15:50,748,813, G>C on the plus strand (C>G on the coding strand, the complement: SPPL2A is on the minus strand). VCF-style: chr15-50748813-G-C. GRCh37 (hg19) VCF-style: chr15-51041010-G-C.
Other names: c.235C>G (NM_032802.3); short protein forms P79A.
Identifiers: ClinVar variation 1375062 (VCV001375062.7), dbSNP rs775631091, ClinGen allele CA392414959.

ClinVar aggregate classification (germline): Uncertain significance. Review status: criteria provided, multiple submitters, no conflicts (2 of 4 stars). 2 submissions from 2 submitters: Uncertain significance (2). Last evaluated 2025-05-12.

Allele frequency attached by ClinVar (database versions not stated): TOPMed below 0.00001.
gnomAD v4.1: 3 of 1,611,158 alleles (0.00019%); highest among the groups gnomAD compares: South Asian, 0.0033%; no homozygotes.

Submissions (2):

Labcorp Genetics (formerly Invitae), Labcorp
Classification: Uncertain significance. Last evaluated: 2025-05-12. Review status: criteria provided, single submitter. Criteria: Invitae Variant Classification Sherloc (09022015). Collection method: clinical testing. Allele origin: germline.
Comment: This sequence change replaces proline, which is neutral and non-polar, with alanine, which is neutral and non-polar, at codon 79 of the SPPL2A protein (p.Pro79Ala). This variant is not present in population databases (gnomAD no frequency). This variant has not been reported in the literature in individuals affected with SPPL2A-related conditions. ClinVar contains an entry for this variant (Variation ID: 1375062). An algorithm developed to predict the effect of missense changes on protein structure and function (PolyPhen-2) suggests that this variant is likely to be disruptive. In summary, the available evidence is currently insufficient to determine the role of this variant in disease. Therefore, it has been classified as a Variant of Uncertain Significance.

Ambry Genetics
Classification: Uncertain significance. Last evaluated: 2024-11-25. Review status: criteria provided, single submitter. Criteria: Ambry Variant Classification Scheme 2023. Collection method: clinical testing. Allele origin: germline.